The following is an entry in ClinVar:

NM_033409.4(SLC52A3):c.619T>A (p.Ser207Thr)

Gene: SLC52A3 (solute carrier family 52 member 3; minus strand). Cytogenetic location: 20p13.
Variant type: single nucleotide variant.
Coding change: c.619T>A on transcript NM_033409.4 (MANE Select); coding-DNA position 619, T replaced by A.
Protein change: p.Ser207Thr; replaces serine 207 with threonine.
Molecular consequence: missense variant.
Genome position (GRCh38, 1-based): chr20:763,952, A>T on the plus strand (T>A on the coding strand, the complement: SLC52A3 is on the minus strand). VCF-style: chr20-763952-A-T. GRCh37 (hg19) VCF-style: chr20-744596-A-T.
Other names: c.619T>A, p.Ser207Thr (NM_001370085.1, NM_001370086.1); short protein forms S207T.
Identifiers: ClinVar variation 946488 (VCV000946488.9), dbSNP rs1986585692, ClinGen allele CA407963456.

ClinVar aggregate classification (germline): Uncertain significance (1 of 4 stars; one submission).

Conditions:
Brown-Vialetto-van Laere syndrome 1. Also called: BROWN-VIALETTO-VAN LAERE SYNDROME 1, MILD; BULBAR PALSY, PROGRESSIVE, WITH SENSORINEURAL DEAFNESS; PONTOBULBAR PALSY WITH DEAFNESS. Identifiers: Orphanet 572550, Orphanet 97229, MedGen C0796274, MONDO:0024537, OMIM 211530.

Allele frequency attached by ClinVar (database versions not stated): gnomAD exomes below 0.00001.

Submission:

Labcorp Genetics (formerly Invitae), Labcorp
Classification: Uncertain significance for Brown-Vialetto-van Laere syndrome 1. Last evaluated: 2019-05-12. Review status: criteria provided, single submitter. Criteria: Invitae Variant Classification Sherloc (09022015). Collection method: clinical testing. Allele origin: germline.
Comment: This sequence change replaces serine with threonine at codon 207 of the SLC52A3 protein (p.Ser207Thr). The serine residue is weakly conserved and there is a small physicochemical difference between serine and threonine. This variant is not present in population databases (ExAC no frequency). This variant has not been reported in the literature in individuals with SLC52A3-related conditions. Algorithms developed to predict the effect of missense changes on protein structure and function (SIFT, PolyPhen-2, Align-GVGD) all suggest that this variant is likely to be tolerated, but these predictions have not been confirmed by published functional studies and their clinical significance is uncertain. In summary, the available evidence is currently insufficient to determine the role of this variant in disease. Therefore, it has been classified as a Variant of Uncertain Significance.